The following is an entry in ClinVar:

NM_015141.4(GPD1L):c.922G>C (p.Val308Leu)

Gene: GPD1L (glycerol-3-phosphate dehydrogenase 1 like; plus strand). Cytogenetic location: 3p22.3.
Variant type: single nucleotide variant.
Coding change: c.922G>C on transcript NM_015141.4 (MANE Select); coding-DNA position 922, G replaced by C.
Protein change: p.Val308Leu; replaces valine 308 with leucine.
Molecular consequence: missense variant.
Genome position (GRCh38, 1-based): chr3:32,159,637, G>C. VCF-style: chr3-32159637-G-C. GRCh37 (hg19) VCF-style: chr3-32201129-G-C.
Other names: short protein forms V308L.
Identifiers: ClinVar variation 3781300 (VCV003781300.1).
Genomic context (GRCh38, chr3:32,159,637, plus strand): 5'-GAGTTGGAGAAGGAGATGCTGAATGGGCAAAAGCTCCAAGGACCGCAGACTTCTGCTGAA[G>C]TGTACCGCATCCTCAAACAGAAGGGACTACTGGACAAGTAAGTCTCTCAGTCGCCCATGA-3'
Protein context (NP_055956.1, residues 298-318): KLQGPQTSAE[Val308Leu]YRILKQKGLL

ClinVar aggregate classification (germline): Uncertain significance (1 of 4 stars; one submission).

Submission:

GeneDx
Classification: Uncertain significance. Last evaluated: 2024-10-19. Review status: criteria provided, single submitter. Criteria: GeneDx Variant Classification Process June 2021. Collection method: clinical testing. Allele origin: germline. Affected: yes.
Comment: Not observed at significant frequency in large population cohorts (gnomAD); In silico analysis indicates that this missense variant does not alter protein structure/function; Has not been previously published as pathogenic or benign to our knowledge